The following is an entry in ClinVar:

NM_001273.5(CHD4):c.590C>G (p.Ala197Gly)

Gene: CHD4 (chromodomain helicase DNA binding protein 4; minus strand). Cytogenetic location: 12p13.31.
Variant type: single nucleotide variant.
Coding change: c.590C>G on transcript NM_001273.5 (MANE Select); coding-DNA position 590, C replaced by G.
Protein change: p.Ala197Gly; replaces alanine 197 with glycine.
Molecular consequence: missense variant.
Genome position (GRCh38, 1-based): chr12:6,601,498, G>C on the plus strand (C>G on the coding strand, the complement: CHD4 is on the minus strand). VCF-style: chr12-6601498-G-C. GRCh37 (hg19) VCF-style: chr12-6710664-G-C.
Other names: c.569C>G, p.Ala190Gly (NM_001297553.2); c.590C>G, p.Ala197Gly (NM_001363606.2); short protein forms A190G, A197G.
Identifiers: ClinVar variation 3776533 (VCV003776533.1).

ClinVar aggregate classification (germline): Uncertain significance (1 of 4 stars; one submission).

Submission:

GeneDx
Classification: Uncertain significance. Last evaluated: 2024-10-01. Review status: criteria provided, single submitter. Criteria: GeneDx Variant Classification Process June 2021. Collection method: clinical testing. Allele origin: germline. Affected: yes.
Comment: Not observed at significant frequency in large population cohorts (gnomAD); In silico analysis indicates that this missense variant does not alter protein structure/function; Has not been previously published as pathogenic or benign to our knowledge